The following is an entry in ClinVar:

ClinVar aggregate classification (germline): Uncertain significance. Review status: criteria provided, multiple submitters, no conflicts (2 of 4 stars). 2 submissions from 2 submitters: Uncertain significance (2). Last evaluated 2026-07-31.

Conditions:
Hereditary cancer-predisposing syndrome. Also called: Neoplastic Syndromes, Hereditary; Hereditary Cancer Syndrome; Hereditary neoplastic syndrome; Tumor predisposition. Identifiers: Orphanet 140162, MedGen C0027672, MeSH D009386, MONDO:0015356.
Familial thoracic aortic aneurysm and aortic dissection (TAAD). Also called: Thoracic aortic aneurysms and dissections. Identifiers: Orphanet 91387, MedGen C4707243, MONDO:0019625.

Submissions (2):

Ambry Genetics
Classification: Uncertain significance for Hereditary cancer-predisposing syndrome; Familial thoracic aortic aneurysm and aortic dissection. Last evaluated: 2026-07-31. Review status: criteria provided, single submitter. Criteria: Ambry Variant Classification Scheme 2023. Collection method: clinical testing. Allele origin: germline.
Comment: The p.P102A variant (also known as c.304C>G), located in coding exon 2 of the SMAD4 gene, results from a C to G substitution at nucleotide position 304. The proline at codon 102 is replaced by alanine, an amino acid with highly similar properties. This amino acid position is highly conserved in available vertebrate species. In addition, this alteration is predicted to be deleterious by in silico analysis. Based on the available evidence, the clinical significance of this variant remains unclear.

Color Diagnostics, LLC DBA Color Health
Classification: Uncertain significance for Hereditary cancer-predisposing syndrome. Last evaluated: 2023-12-05. Review status: criteria provided, single submitter. Criteria: ACMG Guidelines, 2015. Collection method: clinical testing. Allele origin: germline.
Comment: This missense variant replaces proline with alanine at codon 102 of the SMAD4 protein. Computational prediction suggests that this variant may have deleterious impact on protein structure and function (internally defined REVEL score threshold >= 0.7, PMID: 27666373). To our knowledge, functional studies have not been reported for this variant. This variant has not been reported in individuals affected with SMAD4-related disorders in the literature. This variant has not been identified in the general population by the Genome Aggregation Database (gnomAD). The available evidence is insufficient to determine the role of this variant in disease conclusively. Therefore, this variant is classified as a Variant of Uncertain Significance.

NM_005359.6(SMAD4):c.304C>G (p.Pro102Ala)

Gene: SMAD4 (SMAD family member 4; plus strand). Cytogenetic location: 18q21.2.
Variant type: single nucleotide variant.
Coding change: c.304C>G on transcript NM_005359.6 (MANE Select); coding-DNA position 304, C replaced by G.
Protein change: p.Pro102Ala; replaces proline 102 with alanine.
Molecular consequence: missense variant.
Genome position (GRCh38, 1-based): chr18:51,048,740, C>G. VCF-style: chr18-51048740-C-G. GRCh37 (hg19) VCF-style: chr18-48575110-C-G.
Other names: short protein forms P102A.
Identifiers: ClinVar variation 628887 (VCV000628887.6), dbSNP rs1568203445, ClinGen allele CA402458285.